The following is an entry in ClinVar:

NM_145178.4(ATOH7):c.202C>G (p.Pro68Ala)

Gene: ATOH7 (atonal bHLH transcription factor 7; minus strand). Cytogenetic location: 10q21.3.
Variant type: single nucleotide variant.
Coding change: c.202C>G on transcript NM_145178.4 (MANE Select); coding-DNA position 202, C replaced by G.
Protein change: p.Pro68Ala; replaces proline 68 with alanine.
Molecular consequence: missense variant.
Genome position (GRCh38, 1-based): chr10:68,231,476, G>C on the plus strand (C>G on the coding strand, the complement: ATOH7 is on the minus strand). VCF-style: chr10-68231476-G-C. GRCh37 (hg19) VCF-style: chr10-69991233-G-C.
Other names: short protein forms P68A.
Identifiers: ClinVar variation 2080669 (VCV002080669.4), dbSNP rs1196140587, ClinGen allele CA376836759.

ClinVar aggregate classification (germline): Uncertain significance (1 of 4 stars; one submission).

Submission:

Labcorp Genetics (formerly Invitae), Labcorp
Classification: Uncertain significance. Last evaluated: 2022-01-12. Review status: criteria provided, single submitter. Criteria: Invitae Variant Classification Sherloc (09022015). Collection method: clinical testing. Allele origin: germline.
Comment: In summary, the available evidence is currently insufficient to determine the role of this variant in disease. Therefore, it has been classified as a Variant of Uncertain Significance. Algorithms developed to predict the effect of missense changes on protein structure and function (SIFT, PolyPhen-2, Align-GVGD) all suggest that this variant is likely to be disruptive. This variant has not been reported in the literature in individuals affected with ATOH7-related conditions. This variant is not present in population databases (gnomAD no frequency). This sequence change replaces proline, which is neutral and non-polar, with alanine, which is neutral and non-polar, at codon 68 of the ATOH7 protein (p.Pro68Ala).